The following is an entry in ClinVar:

ClinVar aggregate classification (germline): Likely benign. Review status: criteria provided, multiple submitters, no conflicts (2 of 4 stars). 2 submissions from 2 submitters: Likely benign (2). Last evaluated 2024-03-20.

Conditions:
Intellectual disability, CASK-related, X-linked. Identifiers: MedGen CN043158.

Allele frequency attached by ClinVar (database versions not stated): gnomAD 0.00001; TOPMed 0.00001.
gnomAD v4.1: 4 of 1,169,983 alleles (0.00034%); highest among the groups gnomAD compares: Admixed American, 0.0044%; no homozygotes.

Submissions (2):

Labcorp Genetics (formerly Invitae), Labcorp
Classification: Likely benign for Intellectual disability, CASK-related, X-linked. Last evaluated: 2024-03-20. Review status: criteria provided, single submitter. Criteria: Invitae Variant Classification Sherloc (09022015). Collection method: clinical testing. Allele origin: germline.

GeneDx
Classification: Likely benign. Last evaluated: 2017-08-24. Review status: criteria provided, single submitter. Criteria: GeneDx Variant Classification (06012015). Collection method: clinical testing. Allele origin: germline. Affected: yes.
Comment: This variant is considered likely benign or benign based on one or more of the following criteria: it is a conservative change, it occurs at a poorly conserved position in the protein, it is predicted to be benign by multiple in silico algorithms, and/or has population frequency not consistent with disease.

NM_001367721.1(CASK):c.1503+18G>C

Gene: CASK (calcium/calmodulin dependent serine protein kinase; minus strand). Cytogenetic location: Xp11.4.
Variant type: single nucleotide variant.
Coding change: c.1503+18G>C on transcript NM_001367721.1 (MANE Select); 18 bases into the intron after coding-DNA position 1503, G replaced by C.
Molecular consequence: intron variant.
Genome position (GRCh38, 1-based): chrX:41,578,322, C>G on the plus strand (G>C on the coding strand, the complement: CASK is on the minus strand). VCF-style: chrX-41578322-C-G. GRCh37 (hg19) VCF-style: chrX-41437575-C-G.
Other names: c.1485+18G>C (NM_001126055.3, NM_001410745.1); c.1503+18G>C (NM_001126054.3, NM_003688.4).
Identifiers: ClinVar variation 511682 (VCV000511682.9), dbSNP rs749424020, ClinGen allele CA658799721.
Genomic context (GRCh38, chrX:41,578,322, plus strand): 5'-TAGCATAGGTTGAAGTTAGTTGATATAACTCATGCTGGGATCTTATGAGAGTATTGAAAA[C>G]TTTCTCTTCCTACTTACCATTGGTTCATCTGTGTTCTTTTGAAACTGTACCAGCCGAACT-3'